The following is an entry in ClinVar:

NM_001386298.1(CIC):c.2266C>T (p.Pro756Ser)

Gene: CIC (capicua transcriptional repressor; plus strand). Cytogenetic location: 19q13.2.
Variant type: single nucleotide variant.
Coding change: c.2266C>T on transcript NM_001386298.1 (MANE Select); coding-DNA position 2266, C replaced by T.
Protein change: p.Pro756Ser; replaces proline 756 with serine.
Molecular consequence: missense variant. On other transcripts: genic upstream transcript variant (1).
Genome position (GRCh38, 1-based): chr19:42,274,049, C>T. VCF-style: chr19-42274049-C-T. GRCh37 (hg19) VCF-style: chr19-42778201-C-T.
Other names: c.2266C>T, p.Pro756Ser (NM_001439183.1, NM_001439184.1, NM_001439185.1 and 6 more transcripts); c.-10656C>T (NM_015125.5); short protein forms P756S.
Identifiers: ClinVar variation 4687241 (VCV004687241.1).

ClinVar aggregate classification (germline): Uncertain significance (1 of 4 stars; one submission).

Submission:

Women's Health and Genetics/Laboratory Corporation of America, LabCorp
Classification: Uncertain significance. Last evaluated: 2025-10-16. Review status: criteria provided, single submitter. Criteria: LabCorp Variant Classification Summary - May 2015. Collection method: clinical testing. Allele origin: germline.
Comment: Variant summary: CIC NM_001304815.2 c.2266C>T (p.Pro756Ser) results in a non-conservative amino acid change in the encoded protein sequence. Algorithms developed to predict the effect of missense changes on protein structure and function are either unavailable or do not agree on the potential impact of this missense change. This variant is also annotated as CIC NM_015125.5 c.-10656C>T, and is located in the untranscribed region upstream of the CIC gene region. The variant was absent in 396612 control chromosomes (gnomAD). The available data on variant occurrences in the general population are insufficient to allow any conclusion about variant significance. To our knowledge, no occurrence of c.-10656C>T in individuals affected with CIC-related conditions and no experimental evidence demonstrating its impact on protein function have been reported. No submitters have cited clinical-significance assessments for this variant to ClinVar. Based on the evidence outlined above, the variant was classified as uncertain significance.